The following is an entry in ClinVar:

NM_005751.5(AKAP9):c.10373G>C (p.Arg3458Thr)

Gene: AKAP9 (A-kinase anchoring protein 9; plus strand). Cytogenetic location: 7q21.2.
Variant type: single nucleotide variant.
Coding change: c.10373G>C on transcript NM_005751.5 (MANE Select); coding-DNA position 10373, G replaced by C.
Protein change: p.Arg3458Thr; replaces arginine 3458 with threonine.
Molecular consequence: missense variant.
Genome position (GRCh38, 1-based): chr7:92,097,332, G>C. VCF-style: chr7-92097332-G-C. GRCh37 (hg19) VCF-style: chr7-91726646-G-C.
Other names: c.5018G>C, p.Arg1673Thr (NM_001379277.1); c.10349G>C, p.Arg3450Thr (NM_147185.3); short protein forms R1673T, R3450T, R3458T.
Identifiers: ClinVar variation 3627897 (VCV003627897.2).

ClinVar aggregate classification (germline): Uncertain significance (1 of 4 stars; one submission).

Conditions:
Long QT syndrome (LQTS). Identifiers: MedGen C0023976, MeSH D008133, MONDO:0002442. Disease mechanism: loss of function. Inheritance: Various modes of inheritance.

gnomAD v4.1: 4 of 1,613,488 alleles (0.00025%); highest among the groups gnomAD compares: East Asian, 0.0089%; no homozygotes.

Submission:

Labcorp Genetics (formerly Invitae), Labcorp
Classification: Uncertain significance for Long QT syndrome. Last evaluated: 2024-04-15. Review status: criteria provided, single submitter. Criteria: Invitae Variant Classification Sherloc (09022015). Collection method: clinical testing. Allele origin: germline.
Comment: This sequence change replaces arginine, which is basic and polar, with threonine, which is neutral and polar, at codon 3458 of the AKAP9 protein (p.Arg3458Thr). This variant is present in population databases (rs775340634, gnomAD 0.01%). This variant has not been reported in the literature in individuals affected with AKAP9-related conditions. An algorithm developed to predict the effect of missense changes on protein structure and function (PolyPhen-2) suggests that this variant is likely to be disruptive. In summary, the available evidence is currently insufficient to determine the role of this variant in disease. Therefore, it has been classified as a Variant of Uncertain Significance.